The following is an entry in ClinVar:

ClinVar aggregate classification (germline): Uncertain significance. Review status: criteria provided, multiple submitters, no conflicts (2 of 4 stars). 3 submissions from 3 submitters: Uncertain significance (2). 1 of the submissions does not count toward it. Last evaluated 2025-09-29.

Conditions:
Deficiency of mevalonate kinase. Also called: Mevalonate kinase deficiency. Identifiers: Orphanet 309025, MedGen C0342731, MONDO:0017708.
Porokeratosis 3, disseminated superficial actinic type (POROK3). Also called: POROKERATOSIS, DISSEMINATED SUPERFICIAL ACTINIC, 1; POROKERATOSIS 3, MULTIPLE TYPES; POROKERATOSIS 3, MIBELLI TYPE. Identifiers: MedGen C1867981, MONDO:0008293, OMIM 175900.
Mevalonic aciduria (MEVA). Identifiers: Orphanet 29, MedGen C1959626, MONDO:0012481, OMIM 610377.
Hyperimmunoglobulin D with periodic fever (HIDS). Also called: HYPERIMMUNOGLOBULINEMIA D AND PERIODIC FEVER SYNDROME; Hyperimmunoglobulinemia D with periodic fever; Hyperimmunoglobulinemia D. Identifiers: Orphanet 343, MedGen C0398691, MONDO:0009849, OMIM 260920.

Allele frequency attached by ClinVar (database versions not stated): gnomAD exomes below 0.00001; TOPMed 0.00001.
gnomAD v4.1: 1 of 1,614,184 alleles (0.000062%); highest among the groups gnomAD compares: Admixed American, 0.0017%; no homozygotes.

Submissions (3):

Myriad Genetics, Inc.
Classification: Uncertain significance for Deficiency of mevalonate kinase. Last evaluated: 2025-09-29. Review status: criteria provided, single submitter. Criteria: Myriad Autosomal Dominant, Autosomal Recessive and X-Linked Classification Criteria (2023). Collection method: clinical testing. Allele origin: unknown.
Comment: NM_000431.2(MVK):c.986G>A(S329N) is a missense variant classified as a variant of uncertain significance in the context of mevalonate kinase deficiency. S329N has been observed in a case with relevant disease (PMID: 16707534). Relevant functional assessments of this variant are not available in the literature. S329N has not been observed in referenced population frequency databases. In summary, there is insufficient evidence to classify NM_000431.2(MVK):c.986G>A(S329N) as pathogenic or benign. Please note: this variant was assessed in the context of healthy population screening

Labcorp Genetics (formerly Invitae), Labcorp
Classification: Uncertain significance for Mevalonic aciduria; Hyperimmunoglobulin D with periodic fever; Porokeratosis 3, disseminated superficial actinic type. Last evaluated: 2023-03-24. Review status: criteria provided, single submitter. Criteria: Invitae Variant Classification Sherloc (09022015). Collection method: clinical testing. Allele origin: germline.
Comment: This sequence change replaces serine, which is neutral and polar, with asparagine, which is neutral and polar, at codon 329 of the MVK protein (p.Ser329Asn). This variant is not present in population databases (gnomAD no frequency). This missense change has been observed in individual(s) with autosomal recessive mevalonate kinase deficiency (PMID: 16707534). ClinVar contains an entry for this variant (Variation ID: 97640). Advanced modeling of protein sequence and biophysical properties (such as structural, functional, and spatial information, amino acid conservation, physicochemical variation, residue mobility, and thermodynamic stability) performed at Invitae indicates that this missense variant is expected to disrupt MVK protein function. This variant disrupts the p.Ser329 amino acid residue in MVK. Other variant(s) that disrupt this residue have been determined to be pathogenic (PMID: 13130485, 27213830; Invitae). This suggests that this residue is clinically significant, and that variants that disrupt this residue are likely to be disease-causing. In summary, the available evidence is currently insufficient to determine the role of this variant in disease. Therefore, it has been classified as a Variant of Uncertain Significance.

Unité médicale des maladies autoinflammatoires, CHRU Montpellier
No classification provided. Condition: Hyperimmunoglobulin D with periodic fever. Review status: no classification provided. Collection method: not provided. Allele origin: unknown. Not counted in ClinVar's aggregate classification.
Comment: also involved in OMIM 25117

Literature cited by the submitters: PubMed 16707534 (cited by Myriad Genetics, Inc. and Labcorp Genetics (formerly Invitae), Labcorp); PubMed 13130485 (cited by Labcorp Genetics (formerly Invitae), Labcorp); PubMed 27213830 (cited by Labcorp Genetics (formerly Invitae), Labcorp).

NM_000431.4(MVK):c.986G>A (p.Ser329Asn)

Gene: MVK (mevalonate kinase; plus strand). Cytogenetic location: 12q24.11.
Variant type: single nucleotide variant.
Coding change: c.986G>A on transcript NM_000431.4 (MANE Select); coding-DNA position 986, G replaced by A.
Protein change: p.Ser329Asn; replaces serine 329 with asparagine.
Molecular consequence: missense variant.
Genome position (GRCh38, 1-based): chr12:109,595,128, G>A. VCF-style: chr12-109595128-G-A. GRCh37 (hg19) VCF-style: chr12-110032933-G-A.
Other names: c.986G>A, p.Ser329Asn (NM_001114185.3); c.830G>A, p.Ser277Asn (NM_001301182.2); short protein forms S329N, S277N.
Identifiers: ClinVar variation 97640 (VCV000097640.5), dbSNP rs104895350, ClinGen allele CA149935.
Genomic context (GRCh38, chr12:109,595,128, plus strand): 5'-GCGTGGGCCACGCCTCTCTGGACCAGCTCTGCCAGGTGACCAGGGCCCGCGGACTTCACA[G>A]CAAGCTGACTGGCGCAGGCGGTGGTGGCTGTGGCATCACACTCCTCAAGCCAGGTATCCC-3'
Protein context (NP_000422.1, residues 319-339): CQVTRARGLH[Ser329Asn]KLTGAGGGGC